The following is an entry in ClinVar:

NM_006618.5(KDM5B):c.3727C>T (p.Arg1243Ter)

Gene: KDM5B (lysine demethylase 5B; minus strand). Cytogenetic location: 1q32.1.
Variant type: single nucleotide variant.
Coding change: c.3727C>T on transcript NM_006618.5 (MANE Select); coding-DNA position 3727, C replaced by T.
Protein change: p.Arg1243Ter; replaces arginine 1243 with a stop codon.
Molecular consequence: nonsense.
Genome position (GRCh38, 1-based): chr1:202,733,583, G>A on the plus strand (C>T on the coding strand, the complement: KDM5B is on the minus strand). VCF-style: chr1-202733583-G-A. GRCh37 (hg19) VCF-style: chr1-202702711-G-A.
Other names: c.3835C>T, p.Arg1279Ter (NM_001314042.2); c.3592C>T, p.Arg1198Ter (NM_001347591.2); c.3712C>T, p.Arg1238Ter (NM_001399817.1); short protein forms R1243*, R1279*, R1198*, R1238*.
Identifiers: ClinVar variation 224143 (VCV000224143.10), dbSNP rs869312703, ClinGen allele CA354962.

ClinVar aggregate classification (germline): Conflicting classifications of pathogenicity. Review status: criteria provided, conflicting classifications (1 of 4 stars). 4 submissions from 4 submitters: Pathogenic (2); Likely pathogenic (1); Uncertain significance (1). Last evaluated 2025-08-01.

Conditions:
Intellectual developmental disorder, autosomal recessive 65. Also called: Intellectual disability, autosomal recessive 65; MENTAL RETARDATION, AUTOSOMAL RECESSIVE 65. Identifiers: MedGen C4748219, MONDO:0020850, OMIM 618109.
Inborn genetic diseases. Identifiers: MedGen C0950123, MeSH D030342.

gnomAD v4.1: 8 of 1,613,974 alleles (0.0005%); highest among the groups gnomAD compares: Non-Finnish European, 0.00068%; no homozygotes.

Submissions (4):

Victorian Clinical Genetics Services, Murdoch Childrens Research Institute
Classification: Pathogenic for Intellectual developmental disorder, autosomal recessive 65. Last evaluated: 2025-08-01. Review status: criteria provided, single submitter. Criteria: ACMG Guidelines, 2015. Collection method: clinical testing. Allele origin: germline. Affected: yes.
Comment: This variant is classified as Pathogenic. Evidence in support of pathogenic classification: Variant is predicted to cause nonsense-mediated decay (NMD) and loss of protein (premature termination codon is located at least 54 nucleotides upstream of the final exon-exon junction); Variant is present in gnomAD <0.01 (v4: 8 heterozygote(s), 0 homozygote(s)); This variant has limited previous evidence of pathogenicity in unrelated individual(s). This variant has been classified as pathogenic and likely pathogenic by clinical laboratories in ClinVar, and reported in the literature in individuals with KDM5B-related features (PMIDs: 39202393, 28554332, 30409806); Other NMD-predicted variant(s) comparable to the one identified in this case have very strong previous evidence for pathogenicity (DECIPHER). Additional information: This variant is heterozygous; This gene is associated with both recessive and dominant disease. Biallelic pathogenic variants are associated with a more severe, syndromic intellectual disability (PMID: 29276005; DECIPHER). Heterozygous variants have also been reported in association with autosomal dominant intellectual developmental disorder; however, these variants are also frequently observed in apparently unaffected individuals (PMIDs: 29276005, 30217758, 30409806); Loss of function is a known mechanism of disease in this gene and is associated with autosomal recessive intellectual disability 65 (MIM#618109) and autosomal dominant neurodevelopmental disorder (MONDO:0700092), KDM5B-related; The condition associated with this gene has incomplete penetrance. While the recessive condition is fully penetrant, incomplete penetrance has been suggested for the autosomal dominant condition, where unaffected carriers of loss of function variants have been reported (PMIDs: 30217758, 30409806); Variants in this gene are known to have variable expressivity (PMID: 39202393).

GeneDx
Classification: Likely pathogenic. Last evaluated: 2024-09-17. Review status: criteria provided, single submitter. Criteria: GeneDx Variant Classification Process June 2021. Collection method: clinical testing. Allele origin: germline. Affected: yes.
Comment: Nonsense variant predicted to result in protein truncation or nonsense mediated decay in a gene for which loss of function is a known mechanism of disease; Not observed at significant frequency in large population cohorts (gnomAD); Has not been previously published as pathogenic or benign to our knowledge; This variant is associated with the following publications: (PMID: 30683863)

Ambry Genetics
Classification: Pathogenic for Inborn genetic diseases. Last evaluated: 2018-06-05. Review status: criteria provided, single submitter. Criteria: Ambry exome assertion method (8-5-2015). Collection method: clinical testing. Allele origin: germline. Affected: yes. Observed: 1 variant allele.

HudsonAlpha Institute for Biotechnology
Classification: Uncertain significance. Last evaluated: 2015-11-12. Review status: criteria provided, single submitter. Criteria: HA_assertions_20161101. Collection method: research. Allele origin: unknown. Affected: yes. Observed: 1 variant allele. Study: CSER-HudsonAlpha.

Literature cited by the submitters: PubMed 29276005 (cited by Victorian Clinical Genetics Services, Murdoch Childrens Research Institute); PubMed 28554332 (cited by Victorian Clinical Genetics Services, Murdoch Childrens Research Institute); PubMed 30217758 (cited by Victorian Clinical Genetics Services, Murdoch Childrens Research Institute); PubMed 39202393 (cited by Victorian Clinical Genetics Services, Murdoch Childrens Research Institute); PubMed 30409806 (cited by Victorian Clinical Genetics Services, Murdoch Childrens Research Institute).